The following is an entry in ClinVar:

ClinVar aggregate classification (germline): Conflicting classifications of pathogenicity. Review status: criteria provided, conflicting classifications (1 of 4 stars). 2 submissions from 2 submitters: Uncertain significance (1); Likely benign (1). Last evaluated 2025-08-14.

Allele frequency attached by ClinVar (database versions not stated): ESP Exome Variant Server 0.00038; ExAC 0.00039; 1000 Genomes Project 30x 0.00062; gnomAD 0.00066; TOPMed 0.00075; 1000 Genomes Project 0.00080.
gnomAD v4.1: 594 of 1,614,088 alleles (0.037%); highest among the groups gnomAD compares: Middle Eastern, 0.23%; 1 homozygote.

Submissions (2):

Ambry Genetics
Classification: Uncertain significance. Last evaluated: 2025-08-14. Review status: criteria provided, single submitter. Criteria: Ambry Variant Classification Scheme 2023. Collection method: clinical testing. Allele origin: germline.

CeGaT Center for Human Genetics Tuebingen
Classification: Likely benign. Last evaluated: 2023-05-01. Review status: criteria provided, single submitter. Criteria: CeGaT Center For Human Genetics Tuebingen Variant Classification Criteria Version 2. Collection method: clinical testing. Allele origin: germline. Affected: yes. Observed: 1 variant allele.
Comment: RGS3: BP4, BS2

NM_001394167.1(RGS3):c.2203C>T (p.Pro735Ser)

Gene: RGS3 (regulator of G protein signaling 3; plus strand). Cytogenetic location: 9q32.
Variant type: single nucleotide variant.
Coding change: c.2203C>T on transcript NM_001394167.1 (MANE Select); coding-DNA position 2203, C replaced by T.
Protein change: p.Pro735Ser; replaces proline 735 with serine.
Molecular consequence: missense variant. On other transcripts: intron variant (2).
Genome position (GRCh38, 1-based): chr9:113,583,951, C>T. VCF-style: chr9-113583951-C-T. GRCh37 (hg19) VCF-style: chr9-116346231-C-T.
Other names: c.2227C>T, p.Pro743Ser (NM_144488.8); c.1195-7382C>T (NM_001276261.2); c.-10-10479C>T (NM_134427.3); c.2539C>T (NM_144488.4); c.502C>T, p.Pro168Ser (NM_001276260.2, NM_001282922.2, NM_001351526.2 and 1 more transcripts); c.2209C>T, p.Pro737Ser (NM_001282923.2); c.556C>T, p.Pro186Ser (NM_001322215.2); c.1696C>T, p.Pro566Ser (NM_130795.4); short protein forms P168S, P186S, P566S, P735S, P737S, P743S.
Identifiers: ClinVar variation 2659434 (VCV002659434.25), dbSNP rs139416272, ClinGen allele CA5198409.